The following is an entry in ClinVar:

ClinVar aggregate classification (germline): Likely pathogenic (1 of 4 stars; one submission).

Allele frequency attached by ClinVar (database versions not stated): gnomAD exomes below 0.00001; gnomAD 0.00001; TOPMed 0.00001; ExAC 0.00002.
gnomAD v4.1: 7 of 1,614,086 alleles (0.00043%); highest among the groups gnomAD compares: Admixed American, 0.0017%; no homozygotes.

Submission:

Labcorp Genetics (formerly Invitae), Labcorp
Classification: Likely pathogenic. Last evaluated: 2024-07-29. Review status: criteria provided, single submitter. Criteria: Invitae Variant Classification Sherloc (09022015). Collection method: clinical testing. Allele origin: germline.
Comment: This sequence change affects a donor splice site in intron 17 of the FCHO1 gene. It is expected to disrupt RNA splicing. Variants that disrupt the donor or acceptor splice site typically lead to a loss of protein function (PMID: 16199547), and loss-of-function variants in FCHO1 are known to be pathogenic (PMID: 30822429). This variant is present in population databases (rs753935822, gnomAD 0.003%). This variant has not been reported in the literature in individuals affected with FCHO1-related conditions. ClinVar contains an entry for this variant (Variation ID: 2122626). Algorithms developed to predict the effect of sequence changes on RNA splicing suggest that this variant may disrupt the consensus splice site. In summary, the currently available evidence indicates that the variant is pathogenic, but additional data are needed to prove that conclusively. Therefore, this variant has been classified as Likely Pathogenic.

Literature cited by the submitters: PubMed 16199547; PubMed 30822429.

NM_015122.3(FCHO1):c.1207+1G>A

Gene: FCHO1 (FCH and mu domain containing endocytic adaptor 1; plus strand). Cytogenetic location: 19p13.11.
Variant type: single nucleotide variant.
Coding change: c.1207+1G>A on transcript NM_015122.3 (MANE Select); the canonical splice donor site of the intron after coding-DNA position 1207, G replaced by A.
Molecular consequence: splice donor variant.
Genome position (GRCh38, 1-based): chr19:17,776,272, G>A. VCF-style: chr19-17776272-G-A. GRCh37 (hg19) VCF-style: chr19-17887081-G-A.
Other names: c.1207+1G>A (NM_001384380.1, NM_001384394.1, NM_001384379.1 and 25 more transcripts); c.1168+1G>A (NM_001384389.1, NM_001384388.1, NM_001384405.1); c.1057+1G>A (NM_001384386.1, NM_001161359.2, NM_001384406.1 and 3 more transcripts); c.1132+1G>A (NM_001384390.1); c.1162+1G>A (NM_001384403.1).
Identifiers: ClinVar variation 2122626 (VCV002122626.4), dbSNP rs753935822, ClinGen allele CA9300430.
Genomic context (GRCh38, chr19:17,776,272, plus strand): 5'-GCATTCGTGTGTGATGTTGCCCACTTTGTCCACAGGGCACCATGAAACGCCATTCTTCAC[G>A]TGAGTAGCCTTTGGTCTTCAGAGTGGGGAGGATCCTAAGGAAGGGAGGCTATGGGTTTGG-3'